The following is an entry in ClinVar:

NM_001082971.2(DDC):c.1044T>C (p.His348=)

Gene: DDC (dopa decarboxylase; minus strand). Cytogenetic location: 7p12.2.
Variant type: single nucleotide variant.
Coding change: c.1044T>C on transcript NM_001082971.2 (MANE Select); coding-DNA position 1044, T replaced by C.
Protein change: p.His348=; no amino-acid change (histidine 348 retained).
Molecular consequence: synonymous variant.
Genome position (GRCh38, 1-based): chr7:50,470,169, A>G on the plus strand (T>C on the coding strand, the complement: DDC is on the minus strand). VCF-style: chr7-50470169-A-G. GRCh37 (hg19) VCF-style: chr7-50537867-A-G.
Other names: c.1044T>C, p.His348= (NM_000790.4); c.930T>C, p.His310= (NM_001242886.2); c.900T>C, p.His300= (NM_001242887.2); c.810T>C, p.His270= (NM_001242888.2); c.765T>C, p.His255= (NM_001242889.2).
Identifiers: ClinVar variation 911383 (VCV000911383.15), dbSNP rs527805112, ClinGen allele CA4262074.

ClinVar aggregate classification (germline): Conflicting classifications of pathogenicity. Review status: criteria provided, conflicting classifications (1 of 4 stars). 4 submissions from 4 submitters: Uncertain significance (1); Likely benign (2). 1 of the submissions does not count toward it. Last evaluated 2026-01-13.

Conditions:
Deficiency of aromatic-L-amino-acid decarboxylase. Also called: Aromatic L-Amino Acid Decarboxylase Deficiency; DDC DEFICIENCY; DOPA DECARBOXYLASE DEFICIENCY; AADC DEFICIENCY; Aromatic amino acid decarboxylase deficiency. Identifiers: Orphanet 35708, MedGen C1291564, MONDO:0012084, OMIM 608643.
DDC-related disorder. Also called: DDC-related condition.

Allele frequency attached by ClinVar (database versions not stated): gnomAD 0.00004 and 0.00005; TOPMed 0.00004; ExAC 0.00006; gnomAD exomes 0.00007 and 0.00010; 1000 Genomes Project 30x 0.00016; 1000 Genomes Project 0.00020.
gnomAD v4.1: 115 of 1,604,726 alleles (0.0072%); highest among the groups gnomAD compares: Non-Finnish European, 0.0081%; no homozygotes.

Submissions (4):

Labcorp Genetics (formerly Invitae), Labcorp
Classification: Likely benign for Deficiency of aromatic-L-amino-acid decarboxylase. Last evaluated: 2026-01-13. Review status: criteria provided, single submitter. Criteria: Invitae Variant Classification Sherloc (09022015). Collection method: clinical testing. Allele origin: germline.

Blueprint Genetics
Classification: Likely benign. Last evaluated: 2024-11-04. Review status: criteria provided, single submitter. Criteria: ACMG Guidelines, 2015. Collection method: clinical testing. Allele origin: germline.

Illumina Laboratory Services, Illumina
Classification: Uncertain significance for Deficiency of aromatic-L-amino-acid decarboxylase. Last evaluated: 2018-01-12. Review status: criteria provided, single submitter. Criteria: ICSL Variant Classification Criteria 13 December 2019. Collection method: clinical testing. Allele origin: germline.

PreventionGenetics, part of Exact Sciences
Classification: Likely benign for DDC-related condition. Last evaluated: 2019-02-26. Review status: no assertion criteria provided. Collection method: clinical testing. Allele origin: germline. Not counted in ClinVar's aggregate classification.
Comment: This variant is classified as likely benign based on ACMG/AMP sequence variant interpretation guidelines (Richards et al. 2015 PMID: 25741868, with internal and published modifications).